The following is an entry in ClinVar:

ClinVar aggregate classification (germline): Conflicting classifications of pathogenicity. Review status: criteria provided, conflicting classifications (1 of 4 stars). 11 submissions from 11 submitters: Uncertain significance (8); Likely benign (2). 1 of the submissions does not count toward it. Last evaluated 2026-01-20.

Conditions:
MSH6-related disorder. Also called: MSH6-related condition; MSH6-Related disorders.
Hereditary nonpolyposis colorectal neoplasms. Identifiers: MedGen C0009405, MeSH D003123.
Breast and/or ovarian cancer. Identifiers: MedGen CN221562.
Hereditary cancer-predisposing syndrome. Also called: Neoplastic Syndromes, Hereditary; Tumor predisposition; Hereditary neoplastic syndrome; Hereditary Cancer Syndrome. Identifiers: Orphanet 140162, MedGen C0027672, MeSH D009386, MONDO:0015356.
Lynch syndrome 5 (LYNCH5). Also called: Colorectal cancer, hereditary nonpolyposis, type 5; Hereditary non-polyposis colorectal cancer, type 5. Identifiers: Orphanet 144, MedGen C1833477, MONDO:0013710, OMIM 614350. Disease mechanism: loss of function.

Allele frequency attached by ClinVar (database versions not stated): gnomAD exomes below 0.00001 and 0.00001; ExAC 0.00001; gnomAD 0.00001 and 0.00002; TOPMed 0.00002.
gnomAD v4.1: 11 of 1,613,944 alleles (0.00068%); highest among the groups gnomAD compares: Non-Finnish European, 0.00093%; no homozygotes.

Submissions (11):

Labcorp Genetics (formerly Invitae), Labcorp
Classification: Uncertain significance for Hereditary nonpolyposis colorectal neoplasms. Last evaluated: 2026-01-20. Review status: criteria provided, single submitter. Criteria: Invitae Variant Classification Sherloc (09022015). Collection method: clinical testing. Allele origin: germline.
Comment: This sequence change replaces alanine, which is neutral and non-polar, with glycine, which is neutral and non-polar, at codon 168 of the MSH6 protein (p.Ala168Gly). This variant is present in population databases (rs774162322, gnomAD 0.0009%). This variant has not been reported in the literature in individuals affected with MSH6-related conditions. ClinVar contains an entry for this variant (Variation ID: 185008). Invitae Evidence Modeling of protein sequence and biophysical properties (such as structural, functional, and spatial information, amino acid conservation, physicochemical variation, residue mobility, and thermodynamic stability) indicates that this missense variant is not expected to disrupt MSH6 protein function with a negative predictive value of 95%. In summary, the available evidence is currently insufficient to determine the role of this variant in disease. Therefore, it has been classified as a Variant of Uncertain Significance.

PreventionGenetics, part of Exact Sciences
Classification: Uncertain significance for MSH6-related condition. Last evaluated: 2025-01-30. Review status: criteria provided, single submitter. Criteria: ACMG Guidelines, 2015. Collection method: clinical testing. Allele origin: germline.
Comment: The MSH6 c.503C>G variant is predicted to result in the amino acid substitution p.Ala168Gly. This variant has been reported in one individual with breast cancer and two healthy control individuals (Breast Cancer Association Consortium et al. 2021. PubMed ID: 33471991). This variant is reported in 0.00088% of alleles in individuals of European (Non-Finnish) descent in gnomAD. This variant has conflicting interpretations of pathogenicity ranging from likely benign to uncertain. At this time, the clinical significance of this variant is uncertain due to the absence of conclusive functional and genetic evidence.

Color Diagnostics, LLC DBA Color Health
Classification: Likely benign for Hereditary cancer-predisposing syndrome. Last evaluated: 2024-10-09. Review status: criteria provided, single submitter. Criteria: ACMG Guidelines, 2015. Collection method: clinical testing. Allele origin: germline.

GeneDx
Classification: Uncertain significance. Last evaluated: 2024-02-20. Review status: criteria provided, single submitter. Criteria: GeneDx Variant Classification Process June 2021. Collection method: clinical testing. Allele origin: germline. Affected: yes.
Comment: Not observed at significant frequency in large population cohorts (gnomAD); In silico analysis supports that this missense variant does not alter protein structure/function; This variant is associated with the following publications: (PMID: 33471991, 31391288, 38136308)

Myriad Genetics, Inc.
Classification: Uncertain significance for Lynch syndrome 5. Last evaluated: 2023-03-28. Review status: criteria provided, single submitter. Criteria: Myriad Autosomal Dominant, Autosomal Recessive and X-Linked Classification Criteria (2023). Collection method: clinical testing. Allele origin: unknown.
Comment: This variant is classified as a variant of uncertain significance as there is insufficient evidence to determine its impact on protein function and/or cancer risk.

Mayo Clinic Laboratories, Mayo Clinic
Classification: Uncertain significance. Last evaluated: 2022-12-28. Review status: criteria provided, single submitter. Criteria: ACMG Guidelines, 2015. Collection method: clinical testing. Allele origin: germline. Observed: 2 variant alleles.
Comment: BP4, PM2

Quest Diagnostics Nichols Institute San Juan Capistrano
Classification: Uncertain significance. Last evaluated: 2022-10-04. Review status: criteria provided, single submitter. Criteria: Quest Diagnostics criteria. Collection method: clinical testing. Allele origin: unknown.
Comment: The frequency of this variant in the general population, 0.000004 (1/251426 chromosomes), is uninformative in assessment of its pathogenicity. In a large-scale breast cancer association study, the variant was observed in individuals with breast cancer as well as in healthy controls (PMID: 33471991 (2021)), see also LOVD). Analysis of this variant using bioinformatics tools for the prediction of the effect of amino acid changes on protein structure and function yielded predictions that this variant is benign. Based on the available information, we are unable to determine the clinical significance of this variant.

CHEO Genetics Diagnostic Laboratory, Children's Hospital of Eastern Ontario
Classification: Uncertain significance for Breast and/or ovarian cancer. Last evaluated: 2022-02-01. Review status: criteria provided, single submitter. Criteria: ACMG Guidelines, 2015. Collection method: clinical testing. Allele origin: germline.

Ambry Genetics
Classification: Likely benign for Hereditary cancer-predisposing syndrome. Last evaluated: 2021-12-13. Review status: criteria provided, single submitter. Criteria: Ambry Variant Classification Scheme 2023. Collection method: clinical testing. Allele origin: germline.

Laboratory for Molecular Medicine, Mass General Brigham Personalized Medicine
Classification: Uncertain significance. Last evaluated: 2016-11-17. Review status: criteria provided, single submitter. Criteria: LMM Criteria. Collection method: clinical testing. Allele origin: germline. Observed: 1 variant allele.
Comment: The p.Ala168Gly variant in MSH6 has not been previously reported in individuals with hereditary cancer or in large population studies, but has been identified i n 1/66324 European chromosomes by the Exome Aggregation Consortium (ExAC; dbSNP rs774162322). Computational prediction tools and conservation analysis suggest that the p.Ala168Gly variant may not impact the p rotein with several species (fish) carrying the variant amino acid, though this information is not predictive enough to rule out pathogenicity. In summary, the clinical significance of the p.Ala168Gly variant is uncertain.

Counsyl
Classification: Uncertain significance for Lynch syndrome 5. Last evaluated: 2017-12-12. Review status: no assertion criteria provided. Collection method: clinical testing. Allele origin: unknown. Not counted in ClinVar's aggregate classification.

Literature cited by the submitters: PubMed 33471991 (cited by Quest Diagnostics Nichols Institute San Juan Capistrano); PubMed 31391288 (cited by Ambry Genetics).

NM_000179.3(MSH6):c.503C>G (p.Ala168Gly)

Gene: MSH6 (mutS homolog 6; plus strand). Cytogenetic location: 2p16.3.
Variant type: single nucleotide variant.
Coding change: c.503C>G on transcript NM_000179.3 (MANE Select); coding-DNA position 503, C replaced by G.
Protein change: p.Ala168Gly; replaces alanine 168 with glycine.
Molecular consequence: missense variant. On other transcripts: 5 prime UTR variant (1), intron variant (2).
Genome position (GRCh38, 1-based): chr2:47,795,939, C>G. VCF-style: chr2-47795939-C-G. GRCh37 (hg19) VCF-style: chr2-48023078-C-G.
Other names: c.-400C>G (NM_001281494.2); c.-279-2672C>G (NM_001281493.2); c.238-2672C>G (NM_001281492.2); short protein forms A168G.
Identifiers: ClinVar variation 185008 (VCV000185008.37), dbSNP rs774162322, ClinGen allele CA015744.
Genomic context (GRCh38, chr2:47,795,939, plus strand): 5'-TACATTTCTTTCTAGGTTCAAAATCAAAGGAAGCCCAGAAGGGAGGTCATTTTTACAGTG[C>G]AAAGCCTGAAATACTGAGAGCAATGCAACGTGCAGATGAAGCCTTAAATAAAGACAAGAT-3'
Protein context (NP_000170.1, residues 158-178): EAQKGGHFYS[Ala168Gly]KPEILRAMQR